The following is an entry in ClinVar:

NM_001148.6(ANK2):c.1003C>T (p.Pro335Ser)

Gene: ANK2 (ankyrin 2; plus strand). Cytogenetic location: 4q26.
Variant type: single nucleotide variant.
Coding change: c.1003C>T on transcript NM_001148.6 (MANE Select); coding-DNA position 1003, C replaced by T.
Protein change: p.Pro335Ser; replaces proline 335 with serine.
Molecular consequence: missense variant.
Genome position (GRCh38, 1-based): chr4:113,255,747, C>T. VCF-style: chr4-113255747-C-T. GRCh37 (hg19) VCF-style: chr4-114176903-C-T.
Other names: c.940C>T, p.Pro314Ser (NM_001127493.3, NM_001354239.2, NM_001354243.2 and 14 more transcripts); c.1003C>T, p.Pro335Ser (NM_001354225.2, NM_001354228.2, NM_001354232.2 and 9 more transcripts); c.1048C>T, p.Pro350Ser (NM_001354230.2, NM_001354231.2, NM_001354237.2 and 5 more transcripts); c.916C>T, p.Pro306Ser (NM_001354249.2, NM_001354260.2, NM_001354264.2 and 16 more transcripts); c.961C>T, p.Pro321Ser (NM_001354261.2, NM_001386147.1, NM_001386160.1); c.991C>T, p.Pro331Ser (NM_001354269.3, NM_001386148.2, NM_001386186.2); c.1054C>T, p.Pro352Ser (NM_001386174.1); c.1030C>T, p.Pro344Ser (NM_001386175.1); and 1 more; short protein forms P352S, P306S, P314S, P350S, P321S, P323S, P335S, P331S.
Identifiers: ClinVar variation 1775018 (VCV001775018.2), dbSNP rs1176403486, ClinGen allele CA357926225.

ClinVar aggregate classification (germline): Uncertain significance (1 of 4 stars; one submission).

Conditions:
Cardiovascular phenotype. Identifiers: MedGen CN230736.

Allele frequency attached by ClinVar (database versions not stated): gnomAD exomes below 0.00001; TOPMed below 0.00001.
gnomAD v4.1: 2 of 1,614,076 alleles (0.00012%); highest among the groups gnomAD compares: East Asian, 0.0022%; no homozygotes.

Submission:

Ambry Genetics
Classification: Uncertain significance for Cardiovascular phenotype. Last evaluated: 2022-07-06. Review status: criteria provided, single submitter. Criteria: Ambry Variant Classification Scheme 2023. Collection method: clinical testing. Allele origin: germline.
Comment: The p.P335S variant (also known as c.1003C>T), located in coding exon 11 of the ANK2 gene, results from a C to T substitution at nucleotide position 1003. The proline at codon 335 is replaced by serine, an amino acid with similar properties. This amino acid position is conserved. In addition, this alteration is predicted to be deleterious by in silico analysis. Since supporting evidence is limited at this time, the clinical significance of this alteration remains unclear.